The following is an entry in ClinVar:

NM_001003787.4(STRADA):c.116G>A (p.Arg39Gln)

Gene: STRADA (STE20 related adaptor alpha; minus strand). Cytogenetic location: 17q23.3.
Variant type: single nucleotide variant.
Coding change: c.116G>A on transcript NM_001003787.4 (MANE Select); coding-DNA position 116, G replaced by A.
Protein change: p.Arg39Gln; replaces arginine 39 with glutamine.
Molecular consequence: missense variant. On other transcripts: non-coding transcript variant (1), intron variant (9).
Genome position (GRCh38, 1-based): chr17:63,723,305, C>T on the plus strand (G>A on the coding strand, the complement: STRADA is on the minus strand). VCF-style: chr17-63723305-C-T. GRCh37 (hg19) VCF-style: chr17-61800665-C-T.
Other names: c.92G>A, p.Arg31Gln (NM_001363786.1); c.116G>A, p.Arg39Gln (NM_001363788.1); c.12+5053G>A (NM_001363789.1, NM_001003786.3, NM_153335.6); c.-52+3333G>A (NM_001363790.1, NM_001363791.1, NM_001003788.3); c.36+5029G>A (NM_001165969.2, NM_001363787.1); c.94+3333G>A (NM_001165970.2); short protein forms R31Q, R39Q.
Identifiers: ClinVar variation 947622 (VCV000947622.10), dbSNP rs538131743, ClinGen allele CA8703508.

ClinVar aggregate classification (germline): Uncertain significance. Review status: criteria provided, multiple submitters, no conflicts (2 of 4 stars). 3 submissions from 3 submitters: Uncertain significance (3). Last evaluated 2024-04-04.

Conditions:
Polyhydramnios, megalencephaly, and symptomatic epilepsy (PMSE). Also called: PMSE SYNDROME. Identifiers: Orphanet 500533, MedGen C1970203, MONDO:0012611, OMIM 611087.

Allele frequency attached by ClinVar (database versions not stated): gnomAD 0.00003 and 0.00004; TOPMed 0.00003; gnomAD exomes 0.00004 and 0.00006; ExAC 0.00007; 1000 Genomes Project 30x 0.00016; 1000 Genomes Project 0.00020.
gnomAD v4.1: 73 of 1,614,120 alleles (0.0045%); highest among the groups gnomAD compares: South Asian, 0.046%; no homozygotes.

Submissions (3):

Genomic Medicine Center of Excellence, King Faisal Specialist Hospital and Research Centre
Classification: Uncertain significance for Polyhydramnios, megalencephaly, and symptomatic epilepsy. Last evaluated: 2024-04-04. Review status: criteria provided, single submitter. Criteria: ACMG Guidelines, 2015. Collection method: clinical testing. Allele origin: germline.

Labcorp Genetics (formerly Invitae), Labcorp
Classification: Uncertain significance for Polyhydramnios, megalencephaly, and symptomatic epilepsy. Last evaluated: 2023-11-10. Review status: criteria provided, single submitter. Criteria: Invitae Variant Classification Sherloc (09022015). Collection method: clinical testing. Allele origin: germline.
Comment: This sequence change replaces arginine, which is basic and polar, with glutamine, which is neutral and polar, at codon 39 of the STRADA protein (p.Arg39Gln). This variant is present in population databases (rs538131743, gnomAD 0.04%). This variant has not been reported in the literature in individuals affected with STRADA-related conditions. ClinVar contains an entry for this variant (Variation ID: 947622). An algorithm developed to predict the effect of missense changes on protein structure and function (PolyPhen-2) suggests that this variant¬†is likely to be tolerated. In summary, the available evidence is currently insufficient to determine the role of this variant in disease. Therefore, it has been classified as a Variant of Uncertain Significance.

Blueprint Genetics
Classification: Uncertain significance. Last evaluated: 2023-08-28. Review status: criteria provided, single submitter. Criteria: ACMG Guidelines, 2015. Collection method: clinical testing. Allele origin: germline.